The following is an entry in ClinVar:

NM_001399.5(EDA):c.474A>C (p.Lys158Asn)

Gene: EDA (ectodysplasin A; plus strand). Cytogenetic location: Xq13.1.
Variant type: single nucleotide variant.
Coding change: c.474A>C on transcript NM_001399.5 (MANE Select); coding-DNA position 474, A replaced by C.
Protein change: p.Lys158Asn; replaces lysine 158 with asparagine.
Molecular consequence: missense variant.
Genome position (GRCh38, 1-based): chrX:69,957,104, A>C. VCF-style: chrX-69957104-A-C. GRCh37 (hg19) VCF-style: chrX-69176954-A-C.
Other names: c.474A>C, p.Lys158Asn (NM_001005609.2, NM_001005612.3); short protein forms K158N.
Identifiers: ClinVar variation 179127 (VCV000179127.4), dbSNP rs727504649, ClinGen allele CA273588.

ClinVar aggregate classification (germline): Pathogenic (1 of 4 stars; one submission).

Conditions:
Hypohidrotic X-linked ectodermal dysplasia (XHED). Also called: ECTODERMAL DYSPLASIA, HYPOHIDROTIC, 1; CST SYNDROME; ECTODERMAL DYSPLASIA 1; Ectodermal Dysplasia 1, Anhidrotic; Anhidrotic ectodermal dysplasia X-linked; Christ Siemens Touraine syndrome. Identifiers: Orphanet 181, Orphanet 238468, MedGen C0162359, MONDO:0010585, OMIM 305100.

Submission:

Laboratory for Molecular Medicine, Mass General Brigham Personalized Medicine
Classification: Pathogenic for Hypohidrotic X-linked ectodermal dysplasia. Last evaluated: 2013-07-11. Review status: criteria provided, single submitter. Criteria: LMM Criteria. Collection method: clinical testing. Allele origin: germline. Inheritance: X-linked inheritance. Observed: 2 variant alleles.
Comment: The Lys158Asn variant in EDA has been reported in one individual with X-linked h ypohidrotic ectodermal dysplasia (XLHED). It should be noted that this individua l has a different nucleotide change (c.474A>T) which results in the same Lys158A sn amino acid change (Schneider 2001). In vitro studies have shown that the Lys1 58Asn variant alters the normal function of the protein by impacting a critica l furin cleavage site. Several other pathogenic changes in this region are repo rted in individuals with XLHED and are shown to impact protein function as well (Chen 2001). These functional studies indicate that variants in the furin cleava ge site region are disease causing. In summary, this variant meets our criteria to be classified as pathogenic.

Literature cited by the submitters: PubMed 11279189; PubMed 12949972; PubMed 11416205.